The following is an entry in ClinVar:

NM_205834.4(LSR):c.1501C>T (p.Pro501Ser)

Gene: LSR (lipolysis stimulated lipoprotein receptor; plus strand). Cytogenetic location: 19q13.12.
Variant type: single nucleotide variant.
Coding change: c.1501C>T on transcript NM_205834.4 (MANE Select); coding-DNA position 1501, C replaced by T.
Protein change: p.Pro501Ser; replaces proline 501 with serine.
Molecular consequence: missense variant.
Genome position (GRCh38, 1-based): chr19:35,267,465, C>T. VCF-style: chr19-35267465-C-T. GRCh37 (hg19) VCF-style: chr19-35758368-C-T.
Other names: c.1645C>T (NM_205834.3); c.1441C>T, p.Pro481Ser (NM_001260489.2); c.1177C>T, p.Pro393Ser (NM_001260490.2); c.1294C>T, p.Pro432Ser (NM_001385215.1); c.1444C>T, p.Pro482Ser (NM_015925.7); c.1297C>T, p.Pro433Ser (NM_205835.4); short protein forms P393S, P432S, P482S, P433S, P481S, P501S.
Identifiers: ClinVar variation 2719907 (VCV002719907.4), dbSNP rs145609621, ClinGen allele CA9375118.

ClinVar aggregate classification (germline): Likely benign. Review status: criteria provided, multiple submitters, no conflicts (2 of 4 stars). 2 submissions from 2 submitters: Likely benign (2). Last evaluated 2026-01-21.

Conditions:
LSR-related condition.

Allele frequency attached by ClinVar (database versions not stated): ExAC 0.00023; ESP Exome Variant Server 0.00062; gnomAD 0.00069; TOPMed 0.00081.
gnomAD v4.1: 202 of 1,610,906 alleles (0.013%); highest among the groups gnomAD compares: African/African-American, 0.25%; no homozygotes.

Submissions (2):

PreventionGenetics, part of Exact Sciences
Classification: Likely benign for LSR-related condition. Last evaluated: 2026-01-21. Review status: criteria provided, single submitter. Criteria: ACMG Guidelines, 2015. Collection method: clinical testing. Allele origin: germline.
Comment: This variant is classified as likely benign based on ACMG/AMP sequence variant interpretation guidelines (Richards et al. 2015 PMID: 25741868, with internal and published modifications).

Labcorp Genetics (formerly Invitae), Labcorp
Classification: Likely benign. Last evaluated: 2025-09-03. Review status: criteria provided, single submitter. Criteria: Invitae Variant Classification Sherloc (09022015). Collection method: clinical testing. Allele origin: germline.